The following is an entry in ClinVar:

ClinVar aggregate classification (germline): Uncertain significance (1 of 4 stars; one submission).

gnomAD v4.1: 1 of 1,608,180 alleles (0.000062%); no homozygotes.

Submission:

GeneDx
Classification: Uncertain significance. Last evaluated: 2023-06-21. Review status: criteria provided, single submitter. Criteria: GeneDx Variant Classification Process June 2021. Collection method: clinical testing. Allele origin: germline. Affected: yes.
Comment: Not observed at significant frequency in large population cohorts (gnomAD); In silico analysis supports that this missense variant does not alter protein structure/function; Has not been previously published as pathogenic or benign to our knowledge

NM_000222.3(KIT):c.1209A>G (p.Ile403Met)

Gene: KIT (KIT proto-oncogene, receptor tyrosine kinase; plus strand). Cytogenetic location: 4q12.
Variant type: single nucleotide variant.
Coding change: c.1209A>G on transcript NM_000222.3 (MANE Select); coding-DNA position 1209, A replaced by G.
Protein change: p.Ile403Met; replaces isoleucine 403 with methionine.
Molecular consequence: missense variant.
Genome position (GRCh38, 1-based): chr4:54,709,517, A>G. VCF-style: chr4-54709517-A-G. GRCh37 (hg19) VCF-style: chr4-55575683-A-G.
Other names: c.1209A>G, p.Ile403Met (NM_001093772.2, NM_001385285.1, NM_001385286.1); c.1212A>G, p.Ile404Met (NM_001385284.1, NM_001385288.1, NM_001385290.1 and 1 more transcripts); short protein forms I403M, I404M.
Identifiers: ClinVar variation 3360277 (VCV003360277.1).
Genomic context (GRCh38, chr4:54,709,517, plus strand): 5'-AGGCACCGAAGGAGGCACTTACACATTCCTAGTGTCCAATTCTGACGTCAATGCTGCCAT[A>G]GCATTTAATGTTTATGTGAATAGTAAGTAACATGAAGGGCTCCTTTTAATTTTTTATTCT-3'
Protein context (NP_000213.1, residues 393-413): LVSNSDVNAA[Ile403Met]AFNVYVNTKP